The following is an entry in ClinVar:

ClinVar aggregate classification (germline): Uncertain significance (1 of 4 stars; one submission).

Conditions:
Pityriasis rubra pilaris (PRP). Also called: Pityriasis rubra pilaris--familial type. Identifiers: Orphanet 2897, MedGen C0032027, MONDO:0100017, OMIM 173200, MONDO:0008251.
Psoriasis 2. Identifiers: MedGen C1864497, MONDO:0011269, OMIM 602723.

Submission:

Labcorp Genetics (formerly Invitae), Labcorp
Classification: Uncertain significance for Pityriasis rubra pilaris; Psoriasis 2. Last evaluated: 2025-09-16. Review status: criteria provided, single submitter. Criteria: Invitae Variant Classification Sherloc (09022015). Collection method: clinical testing. Allele origin: germline.
Comment: This sequence change creates a premature translational stop signal (p.Asp872Thrfs*15) in the CARD14 gene. It is expected to result in an absent or disrupted protein product. However, the current clinical and genetic evidence is not sufficient to establish whether loss-of-function variants in CARD14 cause disease. This variant is present in population databases (no rsID available, gnomAD 0.002%). This variant has not been reported in the literature in individuals affected with CARD14-related conditions. In summary, the available evidence is currently insufficient to determine the role of this variant in disease. Therefore, it has been classified as a Variant of Uncertain Significance.

NM_001366385.1(CARD14):c.2610del (p.Asp872fs)

Genes: SGSH (N-sulfoglucosamine sulfohydrolase; minus strand), CARD14 (caspase recruitment domain family member 14; plus strand), LOC126862662 (MED14-independent group 3 enhancer GRCh37_chr17:78178385-78179584; plus strand). Cytogenetic location: 17q25.3.
Variant type: Deletion.
Coding change: c.2610del on transcript NM_001366385.1 (MANE Select); coding-DNA position 2610, one base deleted (A; older notation c.2610delA).
Protein change: p.Asp872fs; shifts the reading frame from aspartic acid 872.
Molecular consequence: frameshift variant. On other transcripts: non-coding transcript variant (1).
Genome position (GRCh38, 1-based): chr17:80,205,571, A deleted. VCF-style (leftmost placement, unchanged base first): chr17-80205570-GA-G. GRCh37 (hg19) VCF-style: chr17-78179369-GA-G.
Other names: c.2610del, p.Asp872fs (NM_024110.4); short protein forms D872fs.
Identifiers: ClinVar variation 4787832 (VCV004787832.1).